The following is an entry in ClinVar:

NM_000372.5(TYR):c.178_179del (p.Leu60fs)

Gene: TYR (tyrosinase; plus strand). Cytogenetic location: 11q14.3.
Variant type: Deletion.
Coding change: c.178_179del on transcript NM_000372.5 (MANE Select); coding-DNA positions 178 to 179, 2 bases deleted (CT; older notation c.178_179delCT).
Protein change: p.Leu60fs; shifts the reading frame from leucine 60.
Molecular consequence: frameshift variant.
Genome position (GRCh38, 1-based): chr11:89,178,131-89,178,132, CT deleted; deleting any 2 consecutive bases within chr11:89,178,130-89,178,132 gives the same sequence; the c. name uses the placement nearest the transcript's 3' end. VCF-style (leftmost placement, unchanged base first): chr11-89178129-TTC-T. GRCh37 (hg19) VCF-style: chr11-88911297-TTC-T.
Other names: short protein forms L60fs.
Identifiers: ClinVar variation 2679407 (VCV002679407.4), dbSNP rs2496528211, ClinGen allele CA2695198943.

ClinVar aggregate classification (germline): Pathogenic/Likely pathogenic. Review status: criteria provided, multiple submitters, no conflicts (2 of 4 stars). 2 submissions from 2 submitters: Pathogenic (1); Likely pathogenic (1). Last evaluated 2023-12-19.

Conditions:
SKIN/HAIR/EYE PIGMENTATION 3, LIGHT/DARK SKIN (SHEP3). Also called: EYE COLOR 1; EYE COLOR, GREEN/BLUE; SKIN/HAIR/EYE PIGMENTATION, VARIATION IN, 3; SKIN/HAIR/EYE PIGMENTATION 3, BLUE/GREEN EYE COLOR; SKIN/HAIR/EYE PIGMENTATION 3, FRECKLING. Identifiers: MedGen C2677190, OMIM 601800.

Submissions (2):

Labcorp Genetics (formerly Invitae), Labcorp
Classification: Pathogenic. Last evaluated: 2023-12-19. Review status: criteria provided, single submitter. Criteria: Invitae Variant Classification Sherloc (09022015). Collection method: clinical testing. Allele origin: germline.
Comment: This sequence change creates a premature translational stop signal (p.Leu60Valfs*16) in the TYR gene. It is expected to result in an absent or disrupted protein product. Loss-of-function variants in TYR are known to be pathogenic (PMID: 23504663). This variant is not present in population databases (gnomAD no frequency). This variant has not been reported in the literature in individuals affected with TYR-related conditions. For these reasons, this variant has been classified as Pathogenic.

Baylor Genetics
Classification: Likely pathogenic for SKIN/HAIR/EYE PIGMENTATION 3, LIGHT/DARK SKIN. Last evaluated: 2023-07-04. Review status: criteria provided, single submitter. Criteria: ACMG Guidelines, 2015. Collection method: clinical testing. Allele origin: unknown.

Literature cited by the submitters: PubMed 23504663 (cited by Labcorp Genetics (formerly Invitae), Labcorp).